The following is an entry in ClinVar:

NM_001111125.3(IQSEC2):c.44G>C (p.Ser15Thr)

Gene: IQSEC2 (IQ motif and Sec7 domain ArfGEF 2; minus strand). Cytogenetic location: Xp11.22.
Variant type: single nucleotide variant.
Coding change: c.44G>C on transcript NM_001111125.3 (MANE Select); coding-DNA position 44, G replaced by C.
Protein change: p.Ser15Thr; replaces serine 15 with threonine.
Molecular consequence: missense variant.
Genome position (GRCh38, 1-based): chrX:53,321,080, C>G on the plus strand (G>C on the coding strand, the complement: IQSEC2 is on the minus strand). VCF-style: chrX-53321080-C-G. GRCh37 (hg19) VCF-style: chrX-53350278-C-G.
Other names: c.44G>C, p.Ser15Thr (NM_001410736.1); short protein forms S15T.
Identifiers: ClinVar variation 1706286 (VCV001706286.2), dbSNP rs2075427917, ClinGen allele CA413240242.

ClinVar aggregate classification (germline): Uncertain significance (1 of 4 stars; one submission).

Submission:

GeneDx
Classification: Uncertain significance. Last evaluated: 2022-03-14. Review status: criteria provided, single submitter. Criteria: GeneDx Variant Classification Process June 2021. Collection method: clinical testing. Allele origin: germline. Affected: yes.
Comment: Not observed at significant frequency in large population cohorts (gnomAD); In silico analysis supports that this missense variant does not alter protein structure/function; Has not been previously published as pathogenic or benign to our knowledge